The following is an entry in ClinVar:

NM_000292.3(PHKA2):c.2470C>T (p.Arg824Cys)

Gene: PHKA2 (phosphorylase kinase regulatory subunit alpha 2; minus strand). Cytogenetic location: Xp22.13.
Variant type: single nucleotide variant.
Coding change: c.2470C>T on transcript NM_000292.3 (MANE Select); coding-DNA position 2470, C replaced by T.
Protein change: p.Arg824Cys; replaces arginine 824 with cysteine.
Molecular consequence: missense variant.
Genome position (GRCh38, 1-based): chrX:18,907,947, G>A on the plus strand (C>T on the coding strand, the complement: PHKA2 is on the minus strand). VCF-style: chrX-18907947-G-A. GRCh37 (hg19) VCF-style: chrX-18926065-G-A.
Other names: short protein forms R824C.
Identifiers: ClinVar variation 1006299 (VCV001006299.8), dbSNP rs2047851598, ClinGen allele CA412383289.

ClinVar aggregate classification (germline): Pathogenic (1 of 4 stars; one submission).

Conditions:
Glycogen storage disease IXa1. Also called: GLYCOGEN STORAGE DISEASE VIII; GSD VIII; Glycogen storage disease 8; LIVER GLYCOGENOSIS, X-LINKED, TYPE I. Identifiers: Orphanet 264580, MedGen C3694531, MONDO:0010598, OMIM 306000.

Submission:

Labcorp Genetics (formerly Invitae), Labcorp
Classification: Pathogenic for Glycogen storage disease IXa1. Last evaluated: 2024-11-04. Review status: criteria provided, single submitter. Criteria: Invitae Variant Classification Sherloc (09022015). Collection method: clinical testing. Allele origin: germline.
Comment: This sequence change replaces arginine, which is basic and polar, with cysteine, which is neutral and slightly polar, at codon 824 of the PHKA2 protein (p.Arg824Cys). This variant is not present in population databases (gnomAD no frequency). This missense change has been observed in individual(s) with clinical features of glycogen storage disease (PMID: 25266922, 35257483). ClinVar contains an entry for this variant (Variation ID: 1006299). Invitae Evidence Modeling of protein sequence and biophysical properties (such as structural, functional, and spatial information, amino acid conservation, physicochemical variation, residue mobility, and thermodynamic stability) indicates that this missense variant is expected to disrupt PHKA2 protein function with a positive predictive value of 80%. Algorithms developed to predict the effect of sequence changes on RNA splicing suggest that this variant may disrupt the consensus splice site. This variant disrupts the p.Arg824 amino acid residue in PHKA2. Other variant(s) that disrupt this residue have been observed in individuals with PHKA2-related conditions (internal data), which suggests that this may be a clinically significant amino acid residue. For these reasons, this variant has been classified as Pathogenic.

Literature cited by the submitters: PubMed 25266922; PubMed 35257483.